The following is an entry in ClinVar:

NM_014384.3(ACAD8):c.1092+3_1092+6del

Gene: ACAD8 (acyl-CoA dehydrogenase family member 8; plus strand). Cytogenetic location: 11q25.
Variant type: Deletion.
Coding change: c.1092+3_1092+6del on transcript NM_014384.3 (MANE Select); bases 3 to 6 of the intron after coding-DNA position 1092, 4 bases deleted (AAGT; older notation c.1092+3_1092+6delAAGT).
Molecular consequence: splice donor variant.
Genome position (GRCh38, 1-based): chr11:134,261,893-134,261,896, AAGT deleted; deleting any 4 consecutive bases within chr11:134,261,891-134,261,896 gives the same sequence; the c. name uses the placement nearest the transcript's 3' end. VCF-style (leftmost placement, unchanged base first): chr11-134261890-CGTAA-C. GRCh37 (hg19) VCF-style: chr11-134131784-CGTAA-C.
Identifiers: ClinVar variation 285752 (VCV000285752.11), dbSNP rs780925587, ClinGen allele CA6373203.
Genomic context (GRCh38, chr11:134,261,890, plus strand): 5'-GAAGGATGCAGTGGCCTTGTGCTCCATGGCCAAGCTCTTTGCTACAGATGAATGCTTTGC[CGTAA>C]GTGATTCCTCTGGCTCTCCTGGGATGGACAGGGAACAGCTGCTAGGCCCAGGGGTCTTGA-3'

ClinVar aggregate classification (germline): Uncertain significance. Review status: criteria provided, multiple submitters, no conflicts (2 of 4 stars). 2 submissions from 2 submitters: Uncertain significance (2). Last evaluated 2025-06-20.

Conditions:
Deficiency of isobutyryl-CoA dehydrogenase. Also called: ACYL-CoA DEHYDROGENASE FAMILY, MEMBER 8, DEFICIENCY OF; ACAD8 DEFICIENCY; IBD DEFICIENCY. Identifiers: Orphanet 79159, MedGen C1969809, MONDO:0012648, OMIM 611283.

Submissions (2):

Labcorp Genetics (formerly Invitae), Labcorp
Classification: Uncertain significance for Deficiency of isobutyryl-CoA dehydrogenase. Last evaluated: 2025-06-20. Review status: criteria provided, single submitter. Criteria: Invitae Variant Classification Sherloc (09022015). Collection method: clinical testing. Allele origin: germline.
Comment: This sequence change falls in intron 9 of the ACAD8 gene. It does not directly change the encoded amino acid sequence of the ACAD8 protein. It affects a nucleotide within the consensus splice site. This variant is present in population databases (rs780925587, gnomAD 0.0009%). This variant has not been reported in the literature in individuals affected with ACAD8-related conditions. ClinVar contains an entry for this variant (Variation ID: 285752). Variants that disrupt the consensus splice site are a relatively common cause of aberrant splicing (PMID: 17576681, 9536098). Algorithms developed to predict the effect of sequence changes on RNA splicing suggest that this variant may disrupt the consensus splice site. In summary, the available evidence is currently insufficient to determine the role of this variant in disease. Therefore, it has been classified as a Variant of Uncertain Significance.

Eurofins Ntd Llc (ga)
Classification: Uncertain significance. Last evaluated: 2016-01-07. Review status: criteria provided, single submitter. Criteria: EGL Classification Definitions 2015. Collection method: clinical testing. Allele origin: germline. Observed: 1 variant allele, 1 heterozygote.

Literature cited by the submitters: PubMed 17576681 (cited by Labcorp Genetics (formerly Invitae), Labcorp); PubMed 9536098 (cited by Labcorp Genetics (formerly Invitae), Labcorp).